The following is an entry in ClinVar:

NM_003201.3(TFAM):c.47G>A (p.Arg16Lys)

Gene: TFAM (transcription factor A, mitochondrial; plus strand). Cytogenetic location: 10q21.1.
Variant type: single nucleotide variant.
Coding change: c.47G>A on transcript NM_003201.3 (MANE Select); coding-DNA position 47, G replaced by A.
Protein change: p.Arg16Lys; replaces arginine 16 with lysine.
Molecular consequence: missense variant. On other transcripts: non-coding transcript variant (1).
Genome position (GRCh38, 1-based): chr10:58,385,594, G>A. VCF-style: chr10-58385594-G-A. GRCh37 (hg19) VCF-style: chr10-60145354-G-A.
Other names: c.47G>A, p.Arg16Lys (NM_001270782.2); short protein forms R16K.
Identifiers: ClinVar variation 4723874 (VCV004723874.1).
Genomic context (GRCh38, chr10:58,385,594, plus strand): 5'-CATCCACCGGAGCGATGGCGTTTCTCCGAAGCATGTGGGGCGTGCTGAGTGCCCTGGGAA[G>A]GTCTGGAGCAGAGCTGTGCACCGGCTGTGGAAGTCGACTGCGCTCCCCCTTCAGGTAGGC-3'
Protein context (NP_003192.1, residues 6-26): SMWGVLSALG[Arg16Lys]SGAELCTGCG

ClinVar aggregate classification (germline): Uncertain significance (1 of 4 stars; one submission).

Submission:

Labcorp Genetics (formerly Invitae), Labcorp
Classification: Uncertain significance. Last evaluated: 2025-08-02. Review status: criteria provided, single submitter. Criteria: Invitae Variant Classification Sherloc (09022015). Collection method: clinical testing. Allele origin: germline.
Comment: This sequence change replaces arginine, which is basic and polar, with lysine, which is basic and polar, at codon 16 of the TFAM protein (p.Arg16Lys). This variant is not present in population databases (gnomAD no frequency). This variant has not been reported in the literature in individuals affected with TFAM-related conditions. An algorithm developed to predict the effect of missense changes on protein structure and function outputs the following: PolyPhen-2: "Benign". The lysine amino acid residue is found in multiple mammalian species, which suggests that this missense change does not adversely affect protein function. In summary, the available evidence is currently insufficient to determine the role of this variant in disease. Therefore, it has been classified as a Variant of Uncertain Significance.